The following is an entry in ClinVar:

NM_000212.3(ITGB3):c.*713A>G

Genes: ITGB3 (integrin subunit beta 3; plus strand), EFCAB13-DT (EFCAB13 divergent transcript; minus strand). Cytogenetic location: 17q21.32.
Variant type: single nucleotide variant.
Coding change: c.*713A>G on transcript NM_000212.3 (MANE Select); 713 bases downstream of the stop codon, A replaced by G.
Molecular consequence: 3 prime UTR variant.
Genome position (GRCh38, 1-based): chr17:47,310,917, A>G. VCF-style: chr17-47310917-A-G. GRCh37 (hg19) VCF-style: chr17-45388283-A-G.
Identifiers: ClinVar variation 323887 (VCV000323887.6), dbSNP rs2317676, ClinGen allele CA10650407.

ClinVar aggregate classification (germline): Benign. Review status: criteria provided, multiple submitters, no conflicts (2 of 4 stars). 2 submissions from 2 submitters: Benign (2). Last evaluated 2018-01-12.

Conditions:
Glanzmann thrombasthenia. Also called: PLATELET GLYCOPROTEIN IIb-IIIa DEFICIENCY; Thrombasthenia; Glanzmann's thrombasthenia; BLEEDING DISORDER, PLATELET-TYPE, 2; THROMBASTHENIA OF GLANZMANN AND NAEGELI. Identifiers: Orphanet 849, MedGen C0040015, MONDO:0100326.

Allele frequency attached by ClinVar (database versions not stated): gnomAD exomes 0.05812; gnomAD 0.09380 and 0.09575; TOPMed 0.10286; 1000 Genomes Project 30x 0.12196; 1000 Genomes Project 0.12320.
gnomAD v4.1: 14,906 of 156,824 alleles (9.5%); highest among the groups gnomAD compares: East Asian, 19%; 797 homozygotes.

Submissions (2):

Illumina Laboratory Services, Illumina
Classification: Benign for Glanzmann thrombasthenia 1. Last evaluated: 2018-01-12. Review status: criteria provided, single submitter. Criteria: ICSL Variant Classification Criteria 13 December 2019. Collection method: clinical testing. Allele origin: germline.
Comment: This variant was observed in the ICSL laboratory as part of a predisposition screen in an ostensibly healthy population. It had not been previously curated by ICSL or reported in the Human Gene Mutation Database (HGMD: prior to June 1st, 2018), and was therefore a candidate for classification through an automated scoring system. Utilizing variant allele frequency, disease prevalence and penetrance estimates, and inheritance mode, an automated score was calculated to assess if this variant is too frequent to cause the disease. Based on the score and internal cut-off values, a variant classified as benign is not then subjected to further curation. The score for this variant resulted in a classification of benign for this disease.

Breakthrough Genomics
Classification: Benign. Review status: criteria provided, single submitter. Criteria: ACMG Guidelines, 2015. Collection method: not provided. Allele origin: germline. Inheritance: Autosomal recessive inheritance. Affected: yes.